The following is an entry in ClinVar:

NM_006734.4(HIVEP2):c.5456G>C (p.Arg1819Pro)

Gene: HIVEP2 (HIVEP zinc finger 2; minus strand). Cytogenetic location: 6q24.2.
Variant type: single nucleotide variant.
Coding change: c.5456G>C on transcript NM_006734.4 (MANE Select); coding-DNA position 5456, G replaced by C.
Protein change: p.Arg1819Pro; replaces arginine 1819 with proline.
Molecular consequence: missense variant.
Genome position (GRCh38, 1-based): chr6:142,764,861, C>G on the plus strand (G>C on the coding strand, the complement: HIVEP2 is on the minus strand). VCF-style: chr6-142764861-C-G. GRCh37 (hg19) VCF-style: chr6-143085998-C-G.
Other names: short protein forms R1819P.
Identifiers: ClinVar variation 2501576 (VCV002501576.1), dbSNP rs1346207059, ClinGen allele CA365891333.

ClinVar aggregate classification (germline): Uncertain significance (1 of 4 stars; one submission).

Submission:

GeneDx
Classification: Uncertain significance. Last evaluated: 2022-11-07. Review status: criteria provided, single submitter. Criteria: GeneDx Variant Classification Process June 2021. Collection method: clinical testing. Allele origin: germline. Affected: yes.
Comment: Not observed at significant frequency in large population cohorts (gnomAD); In silico analysis supports that this missense variant has a deleterious effect on protein structure/function; Has not been previously published as pathogenic or benign to our knowledge